The following is an entry in ClinVar:

NM_004058.5(CAPS):c.*8C>T

Gene: CAPS (calcyphosine; plus strand). Cytogenetic location: 19p13.3.
Variant type: single nucleotide variant.
Coding change: c.*8C>T on transcript NM_004058.5 (MANE Select); 8 bases downstream of the stop codon, C replaced by T.
Molecular consequence: 3 prime UTR variant.
Genome position (GRCh38, 1-based): chr19:5,915,330, C>T. VCF-style: chr19-5915330-C-T. GRCh37 (hg19) VCF-style: chr19-5915341-C-T.
Other names: c.*8C>T (NM_080590.4).
Identifiers: ClinVar variation 3046349 (VCV003046349.2), dbSNP rs543355411, ClinGen allele CA9119555.
Genomic context (GRCh38, chr19:5,915,330, plus strand): 5'-TGAACACGGATGAGGAGTTCGTGGCCATGATGACCAGTGCCTGGCAGCTGTGAGCAGCTC[C>T]GGCTCAGCCCTGCTGCCCTGGCCTGTCACTCCCCACCCCTGCCGGAGACCTCCCTTCCCT-3'

ClinVar aggregate classification (germline): Likely benign (0 of 4 stars; one submission).

Conditions:
CAPS-related disorder. Also called: CAPS-related condition.

Allele frequency attached by ClinVar (database versions not stated): TOPMed 0.00004.
gnomAD v4.1: 32 of 1,592,506 alleles (0.002%); highest among the groups gnomAD compares: Admixed American, 0.015%; no homozygotes.

Submission:

PreventionGenetics, part of Exact Sciences
Classification: Likely benign for CAPS-related condition. Last evaluated: 2019-02-20. Review status: no assertion criteria provided. Collection method: clinical testing. Allele origin: germline.
Comment: This variant is classified as likely benign based on ACMG/AMP sequence variant interpretation guidelines (Richards et al. 2015 PMID: 25741868, with internal and published modifications).